The following is an entry in ClinVar:

ClinVar aggregate classification (germline): Likely pathogenic (1 of 4 stars; one submission).

Conditions:
Wilson disease (WND). Also called: Wilson's disease. Identifiers: Orphanet 905, MedGen C0019202, MONDO:0010200, OMIM 277900. Disease mechanism: loss of function.

Submission:

Juno Genomics, Hangzhou Juno Genomics, Inc
Classification: Likely pathogenic for Wilson disease. Review status: criteria provided, single submitter. Criteria: ACMG Guidelines, 2015. Collection method: clinical testing. Allele origin: germline.
Comment: Null variant in a gene where loss of function (LOF) is a known mechanism of disease.;Absent from controls (or at extremely low frequency if recessive) in Genome Aggregation Database.

NM_000053.4(ATP7B):c.3176del (p.Val1059fs)

Gene: ATP7B (ATPase copper transporting beta; minus strand). Cytogenetic location: 13q14.3.
Variant type: Deletion.
Coding change: c.3176del on transcript NM_000053.4 (MANE Select); coding-DNA position 3176, one base deleted (T; older notation c.3176delT).
Protein change: p.Val1059fs; shifts the reading frame from valine 1059.
Molecular consequence: frameshift variant. On other transcripts: intron variant (1).
Genome position (GRCh38, 1-based): chr13:51,944,176, A deleted on the plus strand (T on the coding strand, the reverse complement: ATP7B is on the minus strand). VCF-style (leftmost placement, unchanged base first): chr13-51944175-CA-C. GRCh37 (hg19) VCF-style: chr13-52518311-CA-C.
Other names: c.2942del, p.Val981fs (NM_001330578.2, NM_001406527.1, NM_001406528.1 and 1 more transcripts); c.2924del, p.Val975fs (NM_001330579.2, NM_001406531.1, NM_001406532.1); c.3176del, p.Val1059fs (NM_001406511.1, NM_001406512.1, NM_001406526.1); c.3170del, p.Val1057fs (NM_001406513.1); c.3143del, p.Val1048fs (NM_001406514.1); c.3122del, p.Val1041fs (NM_001406515.1, NM_001406516.1); c.3080del, p.Val1027fs (NM_001406517.1, NM_001406518.1); c.3041del, p.Val1014fs (NM_001406519.1); and 19 more; short protein forms V1000fs, V1011fs, V1041fs, V778fs, V852fs, V910fs, V948fs, V975fs.
Identifiers: ClinVar variation 5005263 (VCV005005263.2).